The following is an entry in ClinVar:

NM_006517.5(SLC16A2):c.647C>T (p.Ser216Phe)

Gene: SLC16A2 (solute carrier family 16 member 2; plus strand). Cytogenetic location: Xq13.2.
Variant type: single nucleotide variant.
Coding change: c.647C>T on transcript NM_006517.5 (MANE Select); coding-DNA position 647, C replaced by T.
Protein change: p.Ser216Phe; replaces serine 216 with phenylalanine.
Molecular consequence: missense variant.
Genome position (GRCh38, 1-based): chrX:74,524,430, C>T. VCF-style: chrX-74524430-C-T. GRCh37 (hg19) VCF-style: chrX-73744265-C-T.
Other names: short protein forms S216F.
Identifiers: ClinVar variation 95422 (VCV000095422.12), dbSNP rs398124232, ClinGen allele CA222963.
Genomic context (GRCh38, chrX:74,524,430, plus strand): 5'-TGCGCTACTTCACCTACGGGATTCTCTTTGGTTGTGGCTGTTCCTTCGCCTTTCAGCCAT[C>T]CCTCGTCATCCTGGGCCACTACTTTCAACGCCGCCTGGGTCTGGCCAATGGTGTGGTGTC-3'
Protein context (NP_006508.2, residues 206-226): GCGCSFAFQP[Ser216Phe]LVILGHYFQR

ClinVar aggregate classification (germline): Conflicting classifications of pathogenicity. Review status: criteria provided, conflicting classifications (1 of 4 stars). 2 submissions from 2 submitters: Likely pathogenic (1); Uncertain significance (1). Last evaluated 2025-09-01.

Submissions (2):

CeGaT Center for Human Genetics Tuebingen
Classification: Likely pathogenic. Last evaluated: 2025-09-01. Review status: criteria provided, single submitter. Criteria: CeGaT Center For Human Genetics Tuebingen Variant Classification Criteria Version 2. Collection method: clinical testing. Allele origin: germline. Affected: yes. Observed: 1 variant allele.
Comment: SLC16A2: PM2, PS4:Moderate, PP4, PS3:Supporting

Eurofins Ntd Llc (ga)
Classification: Uncertain significance. Last evaluated: 2013-07-24. Review status: criteria provided, single submitter. Criteria: EGL Classification Definitions 2015. Collection method: clinical testing. Allele origin: germline. Observed: 7 variant alleles, 6 heterozygotes, 1 hemizygote.